The following is an entry in ClinVar:

NM_000219.6(KCNE1):c.216G>C (p.Glu72Asp)

Gene: KCNE1 (potassium voltage-gated channel subfamily E regulatory subunit 1; minus strand). Cytogenetic location: 21q22.12.
Variant type: single nucleotide variant.
Coding change: c.216G>C on transcript NM_000219.6 (MANE Select); coding-DNA position 216, G replaced by C.
Protein change: p.Glu72Asp; replaces glutamic acid 72 with aspartic acid.
Molecular consequence: missense variant.
Genome position (GRCh38, 1-based): chr21:34,449,419, C>G on the plus strand (G>C on the coding strand, the complement: KCNE1 is on the minus strand). VCF-style: chr21-34449419-C-G. GRCh37 (hg19) VCF-style: chr21-35821717-C-G.
Other names: c.216G>C, p.Glu72Asp (NM_001127668.4, NM_001127669.4, NM_001127670.4 and 4 more transcripts); short protein forms E72D.
Identifiers: ClinVar variation 3374352 (VCV003374352.2).

Conditions:
Long QT syndrome 5 (LQT5). Identifiers: Orphanet 101016, Orphanet 768, MedGen C1867904, MONDO:0013372, OMIM 613695.

Submission:

Roden Lab, Vanderbilt University Medical Center
No classification provided (evidence only). Condition: Long QT syndrome 5. Review status: no classification provided. Collection method: in vitro. Allele origin: not applicable. Functional consequence: Effect on ion channel function.
ClinVar note: "not provided" was previously submitted as the classification for the variant. However, the classification appeared to be based only on an observation of functional data so it was converted to no classification on 2025-07-30.